The following is an entry in ClinVar:

ClinVar aggregate classification (germline): Benign/Likely benign. Review status: criteria provided, multiple submitters, no conflicts (2 of 4 stars). 4 submissions from 4 submitters: Benign (2); Likely benign (2). Last evaluated 2026-01-26.

Allele frequency attached by ClinVar (database versions not stated): 1000 Genomes Project 30x 0.00047; ESP Exome Variant Server 0.00261.
gnomAD v4.1: 4,628 of 1,614,004 alleles (0.29%); highest among the groups gnomAD compares: Non-Finnish European, 0.36%; 8 homozygotes.

Submissions (4):

Labcorp Genetics (formerly Invitae), Labcorp
Classification: Benign. Last evaluated: 2026-01-26. Review status: criteria provided, single submitter. Criteria: Invitae Variant Classification Sherloc (09022015). Collection method: clinical testing. Allele origin: germline.

Blueprint Genetics
Classification: Likely benign. Last evaluated: 2024-11-25. Review status: criteria provided, single submitter. Criteria: ACMG Guidelines, 2015. Collection method: clinical testing. Allele origin: germline.

CeGaT Center for Human Genetics Tuebingen
Classification: Likely benign. Last evaluated: 2023-02-01. Review status: criteria provided, single submitter. Criteria: CeGaT Center For Human Genetics Tuebingen Variant Classification Criteria Version 2. Collection method: clinical testing. Allele origin: germline. Affected: yes. Observed: 1 variant allele.
Comment: CREB3L3: BP4, BP7

Breakthrough Genomics
Classification: Benign. Review status: criteria provided, single submitter. Criteria: ACMG Guidelines, 2015. Collection method: not provided. Allele origin: germline. Inheritance: Autosomal dominant inheritance. Affected: yes.

NM_032607.3(CREB3L3):c.270C>G (p.Ser90=)

Gene: CREB3L3 (cAMP responsive element binding protein 3 like 3; plus strand). Cytogenetic location: 19p13.3.
Variant type: single nucleotide variant.
Coding change: c.270C>G on transcript NM_032607.3 (MANE Select); coding-DNA position 270, C replaced by G.
Protein change: p.Ser90=; no amino-acid change (serine 90 retained).
Molecular consequence: synonymous variant.
Genome position (GRCh38, 1-based): chr19:4,157,108, C>G. VCF-style: chr19-4157108-C-G. GRCh37 (hg19) VCF-style: chr19-4157105-C-G.
Other names: c.267C>G, p.Ser89= (NM_001271995.2); c.270C>G, p.Ser90= (NM_001271996.2, NM_001271997.2).
Identifiers: ClinVar variation 1638802 (VCV001638802.33), dbSNP rs143021454, ClinGen allele CA9091254.